The following is an entry in ClinVar:

NM_005751.5(AKAP9):c.4329A>C (p.Glu1443Asp)

Gene: AKAP9 (A-kinase anchoring protein 9; plus strand). Cytogenetic location: 7q21.2.
Variant type: single nucleotide variant.
Coding change: c.4329A>C on transcript NM_005751.5 (MANE Select); coding-DNA position 4329, A replaced by C.
Protein change: p.Glu1443Asp; replaces glutamic acid 1443 with aspartic acid.
Molecular consequence: missense variant.
Genome position (GRCh38, 1-based): chr7:92,031,595, A>C. VCF-style: chr7-92031595-A-C. GRCh37 (hg19) VCF-style: chr7-91660909-A-C.
Other names: c.4329A>C, p.Glu1443Asp (NM_147185.3); short protein forms E1443D.
Identifiers: ClinVar variation 4613427 (VCV004613427.1).
Genomic context (GRCh38, chr7:92,031,595, plus strand): 5'-AGAGGAAACAAATATCGTTAAGTTGCTTGAAAAACAATACCAAGAACAATTAGAAGAAGA[A>C]GTAGCTAAGGTAGGCTTATAGCTTATCTGGAAGATTATCTTGGTTTATATTCCCTTTGAG-3'
Protein context (NP_005742.4, residues 1433-1453): EKQYQEQLEE[Glu1443Asp]VAKVIVSMSI

ClinVar aggregate classification (germline): Uncertain significance (1 of 4 stars; one submission).

Conditions:
Cardiovascular phenotype. Identifiers: MedGen CN230736.

gnomAD v4.1: 1 of 1,607,818 alleles (0.000062%); highest among the groups gnomAD compares: Non-Finnish European, 0.000085%; no homozygotes.

Submission:

Ambry Genetics
Classification: Uncertain significance for Cardiovascular phenotype. Last evaluated: 2025-12-10. Review status: criteria provided, single submitter. Criteria: Ambry Variant Classification Scheme 2023. Collection method: clinical testing. Allele origin: germline.
Comment: The p.E1443D variant (also known as c.4329A>C), located in coding exon 16 of the AKAP9 gene, results from an A to C substitution at nucleotide position 4329. The glutamic acid at codon 1443 is replaced by aspartic acid, an amino acid with highly similar properties. This amino acid position is conserved. In addition, this alteration is predicted to be tolerated by in silico analysis. Based on the available evidence, the clinical significance of this variant remains unclear.